The following is an entry in ClinVar:

NM_004304.5(ALK):c.4579C>T (p.Pro1527Ser)

Gene: ALK (ALK receptor tyrosine kinase; minus strand). Cytogenetic location: 2p23.2.
Variant type: single nucleotide variant.
Coding change: c.4579C>T on transcript NM_004304.5 (MANE Select); coding-DNA position 4579, C replaced by T.
Protein change: p.Pro1527Ser; replaces proline 1527 with serine.
Molecular consequence: missense variant.
Genome position (GRCh38, 1-based): chr2:29,193,508, G>A on the plus strand (C>T on the coding strand, the complement: ALK is on the minus strand). VCF-style: chr2-29193508-G-A. GRCh37 (hg19) VCF-style: chr2-29416374-G-A.
Other names: c.1375C>T, p.Pro459Ser (NM_001353765.2); c.4579C>T (NM_004304.4); short protein forms P459S, P1527S.
Identifiers: ClinVar variation 1040502 (VCV001040502.10), dbSNP rs1668934497, ClinGen allele CA346460695.
Genomic context (GRCh38, chr2:29,193,508, plus strand): 5'-TTGCAACGTTAGGTGGGACAGTACAGCTTCCCTCCAGCCCCAGGTTACCCCTGTCGTGTG[G>A]CTCCTTCTTTGCTATAGGATTATTCTTTTTGGTGGGTTTCTCTGTAAACCAGGAGCCGTA-3'
Protein context (NP_004295.2, residues 1517-1537): KKNNPIAKKE[Pro1527Ser]HDRGNLGLEG

ClinVar aggregate classification (germline): Uncertain significance. Review status: criteria provided, multiple submitters, no conflicts (2 of 4 stars). 3 submissions from 3 submitters: Uncertain significance (3). Last evaluated 2024-07-24.

Conditions:
Hereditary cancer-predisposing syndrome. Also called: Hereditary neoplastic syndrome; Neoplastic Syndromes, Hereditary; Tumor predisposition; Hereditary Cancer Syndrome. Identifiers: Orphanet 140162, MedGen C0027672, MeSH D009386, MONDO:0015356.
Neuroblastoma, susceptibility to, 3. Also called: ALK-Related Neuroblastic Tumor Susceptibility. Identifiers: Orphanet 635, MedGen C2751681, MONDO:0013083, OMIM 613014.

Submissions (3):

Labcorp Genetics (formerly Invitae), Labcorp
Classification: Uncertain significance for Neuroblastoma, susceptibility to, 3. Last evaluated: 2024-07-24. Review status: criteria provided, single submitter. Criteria: Invitae Variant Classification Sherloc (09022015). Collection method: clinical testing. Allele origin: germline.
Comment: This sequence change replaces proline, which is neutral and non-polar, with serine, which is neutral and polar, at codon 1527 of the ALK protein (p.Pro1527Ser). This variant is not present in population databases (gnomAD no frequency). This variant has not been reported in the literature in individuals affected with ALK-related conditions. ClinVar contains an entry for this variant (Variation ID: 1040502). An algorithm developed to predict the effect of missense changes on protein structure and function (PolyPhen-2) suggests that this variant is likely to be tolerated. In summary, the available evidence is currently insufficient to determine the role of this variant in disease. Therefore, it has been classified as a Variant of Uncertain Significance.

Ambry Genetics
Classification: Uncertain significance for Hereditary cancer-predisposing syndrome. Last evaluated: 2024-06-22. Review status: criteria provided, single submitter. Criteria: Ambry Variant Classification Scheme 2023. Collection method: clinical testing. Allele origin: germline.
Comment: The p.P1527S variant (also known as c.4579C>T), located in coding exon 29 of the ALK gene, results from a C to T substitution at nucleotide position 4579. The proline at codon 1527 is replaced by serine, an amino acid with similar properties. This amino acid position is conserved. In addition, this alteration is predicted to be tolerated by in silico analysis. Based on the available evidence, the clinical significance of this variant remains unclear.

GeneDx
Classification: Uncertain significance. Last evaluated: 2024-02-26. Review status: criteria provided, single submitter. Criteria: GeneDx Variant Classification Process June 2021. Collection method: clinical testing. Allele origin: germline. Affected: yes.
Comment: Not observed at significant frequency in large population cohorts (gnomAD); In silico analysis supports that this missense variant does not alter protein structure/function; Has not been previously published as pathogenic or benign to our knowledge